The following is an entry in ClinVar:

ClinVar aggregate classification (germline): Pathogenic (1 of 4 stars; one submission).

Conditions:
Spastic paraplegia. Identifiers: MedGen C0037772, HP:0001258.

Submission:

Labcorp Genetics (formerly Invitae), Labcorp
Classification: Pathogenic for Spastic paraplegia. Last evaluated: 2025-10-02. Review status: criteria provided, single submitter. Criteria: Invitae Variant Classification Sherloc (09022015). Collection method: clinical testing. Allele origin: germline.
Comment: This sequence change creates a premature translational stop signal (p.Trp336*) in the B4GALNT1 gene. It is expected to result in an absent or disrupted protein product. Loss-of-function variants in B4GALNT1 are known to be pathogenic (PMID: 23746551). This variant is not present in population databases (gnomAD no frequency). This variant has not been reported in the literature in individuals affected with B4GALNT1-related conditions. ClinVar contains an entry for this variant (Variation ID: 3655318). For these reasons, this variant has been classified as Pathogenic.

Literature cited by the submitters: PubMed 23746551.

NM_001478.5(B4GALNT1):c.1008G>A (p.Trp336Ter)

Gene: B4GALNT1 (beta-1,4-N-acetyl-galactosaminyltransferase 1; minus strand). Cytogenetic location: 12q13.3.
Variant type: single nucleotide variant.
Coding change: c.1008G>A on transcript NM_001478.5 (MANE Select); coding-DNA position 1008, G replaced by A.
Protein change: p.Trp336Ter; replaces tryptophan 336 with a stop codon.
Molecular consequence: nonsense.
Genome position (GRCh38, 1-based): chr12:57,628,257, C>T on the plus strand (G>A on the coding strand, the complement: B4GALNT1 is on the minus strand). VCF-style: chr12-57628257-C-T. GRCh37 (hg19) VCF-style: chr12-58022040-C-T.
Other names: c.843G>A, p.Trp281Ter (NM_001276468.2, NM_001413978.1); c.1143G>A, p.Trp381Ter (NM_001413967.1, NM_001413968.1, NM_001413969.1); c.1008G>A, p.Trp336Ter (NM_001413970.1, NM_001413971.1, NM_001413972.1 and 2 more transcripts); c.909G>A, p.Trp303Ter (NM_001413977.1); c.156G>A, p.Trp52Ter (NM_001413981.1); c.21G>A, p.Trp7Ter (NM_001413982.1, NM_001413983.1, NM_001413984.1); short protein forms W52*, W281*, W336*, W381*, W7*, W303*.
Identifiers: ClinVar variation 3655318 (VCV003655318.2).